The following is an entry in ClinVar:

NM_001946.4(DUSP6):c.810G>T (p.Gln270His)

Genes: DUSP6 (dual specificity phosphatase 6; minus strand), POC1B-DUSP6 (POC1B-DUSP6 readthrough; minus strand). Cytogenetic location: 12q21.33.
Variant type: single nucleotide variant.
Coding change: c.810G>T on transcript NM_001946.4 (MANE Select); coding-DNA position 810, G replaced by T.
Protein change: p.Gln270His; replaces glutamine 270 with histidine.
Molecular consequence: missense variant. On other transcripts: non-coding transcript variant (3), intron variant (4).
Genome position (GRCh38, 1-based): chr12:89,350,616, C>A on the plus strand (G>T on the coding strand, the complement: DUSP6 is on the minus strand). VCF-style: chr12-89350616-C-A. GRCh37 (hg19) VCF-style: chr12-89744393-C-A.
Other names: c.400+1024G>T (NM_022652.4); c.643-1055G>T (NM_001425796.1); c.1033-1055G>T (NM_001425795.1); c.1114-1055G>T (NM_001425794.1); short protein forms Q270H.
Identifiers: ClinVar variation 4741431 (VCV004741431.1).

ClinVar aggregate classification (germline): Uncertain significance (1 of 4 stars; one submission).

Submission:

Labcorp Genetics (formerly Invitae), Labcorp
Classification: Uncertain significance. Last evaluated: 2025-02-06. Review status: criteria provided, single submitter. Criteria: Invitae Variant Classification Sherloc (09022015). Collection method: clinical testing. Allele origin: germline.
Comment: This sequence change replaces glutamine, which is neutral and polar, with histidine, which is basic and polar, at codon 270 of the DUSP6 protein (p.Gln270His). This variant is not present in population databases (gnomAD no frequency). This variant has not been reported in the literature in individuals affected with DUSP6-related conditions. Invitae Evidence Modeling of protein sequence and biophysical properties (such as structural, functional, and spatial information, amino acid conservation, physicochemical variation, residue mobility, and thermodynamic stability) has been performed for this missense variant. However, the output from this modeling did not meet the statistical confidence thresholds required to predict the impact of this variant on DUSP6 protein function. In summary, the available evidence is currently insufficient to determine the role of this variant in disease. Therefore, it has been classified as a Variant of Uncertain Significance.